The following is an entry in ClinVar:

ClinVar aggregate classification (germline): Likely benign. Review status: criteria provided, multiple submitters, no conflicts (2 of 4 stars). 3 submissions from 3 submitters: Likely benign (2). 1 of the submissions does not count toward it. Last evaluated 2024-11-12.

Conditions:
CACNA1A-related disorder. Also called: CACNA1A-related condition.
Episodic ataxia type 2 (EA2). Also called: ACETAZOLAMIDE-RESPONSIVE HEREDITARY PAROXYSMAL CEREBELLAR ATAXIA; ATAXIA, EPISODIC, WITH NYSTAGMUS; ATAXIA, FAMILIAL PAROXYSMAL; CEREBELLAR ATAXIA, PAROXYSMAL, ACETAZOLAMIDE-RESPONSIVE; CEREBELLOPATHY, HEREDITARY PAROXYSMAL; EPISODIC ATAXIA, NYSTAGMUS-ASSOCIATED. Identifiers: Orphanet 97, MedGen C1720416, MONDO:0007163, OMIM 108500.
Developmental and epileptic encephalopathy, 42 (DEE42A). Also called: DEVELOPMENTAL AND EPILEPTIC ENCEPHALOPATHY 42A; EPILEPTIC ENCEPHALOPATHY, EARLY INFANTILE, 42A; Epileptic encephalopathy, early infantile, 42. Identifiers: MedGen C4310716, MONDO:0014917, OMIM 617106.

Allele frequency attached by ClinVar (database versions not stated): gnomAD exomes 0.00001 and 0.00003; ExAC 0.00002; gnomAD 0.00003; TOPMed 0.00003; ESP Exome Variant Server 0.00016.
gnomAD v4.1: 21 of 1,613,800 alleles (0.0013%); highest among the groups gnomAD compares: Non-Finnish European, 0.0018%; no homozygotes.

Submissions (3):

Labcorp Genetics (formerly Invitae), Labcorp
Classification: Likely benign for Developmental and epileptic encephalopathy, 42; Episodic ataxia type 2. Last evaluated: 2024-11-12. Review status: criteria provided, single submitter. Criteria: Invitae Variant Classification Sherloc (09022015). Collection method: clinical testing. Allele origin: germline.

CeGaT Center for Human Genetics Tuebingen
Classification: Likely benign. Last evaluated: 2021-07-01. Review status: criteria provided, single submitter. Criteria: CeGaT Center For Human Genetics Tuebingen Variant Classification Criteria Version 2. Collection method: clinical testing. Allele origin: germline. Affected: yes. Observed: 1 variant allele.

PreventionGenetics, part of Exact Sciences
Classification: Likely benign for CACNA1A-related condition. Last evaluated: 2020-03-20. Review status: no assertion criteria provided. Collection method: clinical testing. Allele origin: germline. Not counted in ClinVar's aggregate classification.
Comment: This variant is classified as likely benign based on ACMG/AMP sequence variant interpretation guidelines (Richards et al. 2015 PMID: 25741868, with internal and published modifications).

NM_001127222.2(CACNA1A):c.3933C>G (p.Leu1311=)

Genes: CACNA1A (calcium voltage-gated channel subunit alpha1 A; minus strand), LOC126862865 (CDK7 strongly-dependent group 2 enhancer GRCh37_chr19:13385818-13387017; plus strand). Cytogenetic location: 19p13.13.
Variant type: single nucleotide variant.
Coding change: c.3933C>G on transcript NM_001127222.2 (MANE Select); coding-DNA position 3933, C replaced by G.
Protein change: p.Leu1311=; no amino-acid change (leucine 1311 retained).
Molecular consequence: synonymous variant.
Genome position (GRCh38, 1-based): chr19:13,275,906, G>C on the plus strand (C>G on the coding strand, the complement: CACNA1A is on the minus strand). VCF-style: chr19-13275906-G-C. GRCh37 (hg19) VCF-style: chr19-13386720-G-C.
Other names: c.3933C>G (NM_001127222.1); c.3945C>G, p.Leu1315= (NM_000068.4, NM_023035.3); c.3936C>G, p.Leu1312= (NM_001127221.2, NM_001174080.2).
Identifiers: ClinVar variation 774382 (VCV000774382.45), dbSNP rs372081879, ClinGen allele CA9240144.